The following is an entry in ClinVar:

ClinVar aggregate classification (germline): Uncertain significance. Review status: criteria provided, multiple submitters, no conflicts (2 of 4 stars). 2 submissions from 2 submitters: Uncertain significance (2). Last evaluated 2024-03-25.

Conditions:
Jackson-Weiss syndrome (JWS). Also called: CRANIOSYNOSTOSIS, MIDFACIAL HYPOPLASIA, AND FOOT ABNORMALITIES. Identifiers: Orphanet 1540, MedGen C0795998, MONDO:0007400, OMIM 123150. Disease mechanism: loss of function.
Beare-Stevenson cutis gyrata syndrome (BSTVS). Identifiers: Orphanet 1555, MedGen C1852406, MONDO:0007412, OMIM 123790.
Pfeiffer syndrome (ACS5). Also called: ACS V. Identifiers: Orphanet 710, MedGen C0220658, MONDO:0007043, OMIM 101600.
Bent bone dysplasia syndrome 1 (BBDS1). Also called: FGFR2-related bent bone dysplasia. Identifiers: Orphanet 313855, MedGen C3281247, MONDO:0013815, OMIM 614592.
Gastric cancer. Also called: Malignant tumor of stomach; Stomach cancer. Identifiers: MedGen C0024623, MeSH D013274, MONDO:0001056, OMIM 613659, HP:0012126.
Antley-Bixler syndrome without genital anomalies or disordered steroidogenesis (ABS2). Also called: Antley-Bixler Syndrome, Autosomal Dominant; Trapezoidocephaly synostosis syndrome; Osteodysgenesis, multisynostotic with fractures; MULTISYNOSTOTIC OSTEODYSGENESIS WITH LONG BONE FRACTURES. Identifiers: Orphanet 596008, Orphanet 83, MedGen C2936791, MONDO:0020667, OMIM 207410.
Crouzon syndrome. Also called: Craniofacial dysostosis type 1; Crouzon craniofacial dysostosis; Crouzon disease; Craniofacial dysostosis; CRANIOFACIAL DYSOSTOSIS, TYPE I. Identifiers: Orphanet 207, MedGen C0010273, MeSH D003394, MONDO:0007405, OMIM 123500, HP:0004439.
Saethre-Chotzen syndrome (SCS). Also called: ACROCEPHALY, SKULL ASYMMETRY, AND MILD SYNDACTYLY; ACS III; CHOTZEN SYNDROME. Identifiers: Orphanet 794, MedGen C0175699, MONDO:0007042, OMIM 101400.
Familial scaphocephaly syndrome, McGillivray type. Also called: SCAPHOCEPHALY, MAXILLARY RETRUSION, AND IMPAIRED INTELLECTUAL DEVELOPMENT. Identifiers: Orphanet 168624, MedGen C1865070, MONDO:0012307, OMIM 609579.
LADD syndrome 1 (LADD1). Also called: Lacrimoauriculodentodigital syndrome 1. Identifiers: MedGen C5774323, MONDO:0100302, OMIM 149730.
Acrocephalosyndactyly type I (ACS1). Also called: Acrocephalo-syndactyly type 1; ACS 1; Syndactylic oxycephaly; Apert syndrome. Identifiers: Orphanet 87, MedGen C0001193, MONDO:0007041, OMIM 101200.

gnomAD v4.1: 7 of 1,613,880 alleles (0.00043%); highest among the groups gnomAD compares: African/African-American, 0.0013%; no homozygotes.

Submissions (2):

Fulgent Genetics
Classification: Uncertain significance for Acrocephalosyndactyly type I; Saethre-Chotzen syndrome; Pfeiffer syndrome; Jackson-Weiss syndrome; Crouzon syndrome; Beare-Stevenson cutis gyrata syndrome; LADD syndrome 1; Antley-Bixler syndrome without genital anomalies or disordered steroidogenesis; Familial scaphocephaly syndrome, McGillivray type; Gastric cancer; Bent bone dysplasia syndrome 1. Last evaluated: 2024-03-25. Review status: criteria provided, single submitter. Criteria: ACMG Guidelines, 2015. Collection method: clinical testing. Allele origin: germline.

Juno Genomics, Hangzhou Juno Genomics, Inc
Classification: Uncertain significance for LADD syndrome 1; Familial scaphocephaly syndrome, McGillivray type; Antley-Bixler syndrome without genital anomalies or disordered steroidogenesis; Acrocephalosyndactyly type I; Beare-Stevenson cutis gyrata syndrome; Bent bone dysplasia syndrome 1; Pfeiffer syndrome; Crouzon syndrome; Gastric cancer; Jackson-Weiss syndrome; Saethre-Chotzen syndrome. Review status: criteria provided, single submitter. Criteria: ACMG Guidelines, 2015. Collection method: clinical testing. Allele origin: germline.
Comment: Absent from controls (or at extremely low frequency if recessive) in Genome Aggregation Database.;Multiple lines of computational evidence support a deleterious effect on the gene or gene product.

NM_000141.5(FGFR2):c.2231C>T (p.Pro744Leu)

Gene: FGFR2 (fibroblast growth factor receptor 2; minus strand). Cytogenetic location: 10q26.13.
Variant type: single nucleotide variant.
Coding change: c.2231C>T on transcript NM_000141.5 (MANE Select); coding-DNA position 2231, C replaced by T.
Protein change: p.Pro744Leu; replaces proline 744 with leucine.
Molecular consequence: missense variant. On other transcripts: non-coding transcript variant (1).
Genome position (GRCh38, 1-based): chr10:121,483,768, G>A on the plus strand (C>T on the coding strand, the complement: FGFR2 is on the minus strand). VCF-style: chr10-121483768-G-A. GRCh37 (hg19) VCF-style: chr10-123243282-G-A.
Other names: c.2234C>T, p.Pro745Leu (NM_001144913.1, NM_022970.4); c.1895C>T, p.Pro632Leu (NM_001144914.1); c.1964C>T, p.Pro655Leu (NM_001144915.2, NM_023029.3); c.1886C>T, p.Pro629Leu (NM_001144916.2); c.1883C>T, p.Pro628Leu (NM_001144917.2); c.1880C>T, p.Pro627Leu (NM_001144918.2); c.1967C>T, p.Pro656Leu (NM_001144919.2); c.1547C>T, p.Pro516Leu (NM_001320654.2); and 1 more; short protein forms P628L, P629L, P516L, P655L, P745L, P632L, P656L, P742L.
Identifiers: ClinVar variation 3590754 (VCV003590754.3).